The following is an entry in ClinVar:

NM_000814.6(GABRB3):c.683-3T>C

Gene: GABRB3 (gamma-aminobutyric acid type A receptor subunit beta3; minus strand). Cytogenetic location: 15q12.
Variant type: single nucleotide variant.
Coding change: c.683-3T>C on transcript NM_000814.6 (MANE Select); 3 bases into the intron before coding-DNA position 683, T replaced by C.
Molecular consequence: intron variant.
Genome position (GRCh38, 1-based): chr15:26,567,736, A>G on the plus strand (T>C on the coding strand, the complement: GABRB3 is on the minus strand). VCF-style: chr15-26567736-A-G. GRCh37 (hg19) VCF-style: chr15-26812883-A-G.
Other names: c.683-3T>C (NM_021912.5); c.428-3T>C (NM_001278631.2, NM_001191320.2); c.470-3T>C (NM_001191321.3).
Identifiers: ClinVar variation 1359717 (VCV001359717.6), dbSNP rs79917963, ClinGen allele CA268155377.

ClinVar aggregate classification (germline): Uncertain significance (1 of 4 stars; one submission).

Conditions:
Epilepsy, childhood absence, susceptibility to, 5. Identifiers: Orphanet 64280, MedGen C2677087, MONDO:0012843, OMIM 612269.
Epilepsy, childhood absence, susceptibility to, 1. Also called: Epilepsy, childhood absence 1. Identifiers: Orphanet 64280, MedGen C1838604, MONDO:0020759, OMIM 600131.

Allele frequency attached by ClinVar (database versions not stated): gnomAD exomes below 0.00001.
gnomAD v4.1: 1 of 1,613,840 alleles (0.000062%); highest among the groups gnomAD compares: Non-Finnish European, 0.000085%; no homozygotes.

Submission:

Labcorp Genetics (formerly Invitae), Labcorp
Classification: Uncertain significance for Epilepsy, childhood absence, susceptibility to, 5; Epilepsy, childhood absence, susceptibility to, 1. Last evaluated: 2021-06-07. Review status: criteria provided, single submitter. Criteria: Invitae Variant Classification Sherloc (09022015). Collection method: clinical testing. Allele origin: germline.
Comment: This sequence change falls in intron 6 of the GABRB3 gene. It does not directly change the encoded amino acid sequence of the GABRB3 protein. It affects a nucleotide within the consensus splice site of the intron. This variant is not present in population databases (ExAC no frequency). This variant has not been reported in the literature in individuals with GABRB3-related conditions. Nucleotide substitutions within the consensus splice site are a relatively common cause of aberrant splicing (PMID: 17576681, 9536098). Algorithms developed to predict the effect of sequence changes on RNA splicing suggest that this variant is not likely to affect RNA splicing, but this prediction has not been confirmed by published transcriptional studies. In summary, the available evidence is currently insufficient to determine the role of this variant in disease. Therefore, it has been classified as a Variant of Uncertain Significance.

Literature cited by the submitters: PubMed 17576681; PubMed 9536098.